The following is an entry in ClinVar:

ClinVar aggregate classification (germline): Uncertain significance. Review status: criteria provided, multiple submitters, no conflicts (2 of 4 stars). 2 submissions from 2 submitters: Uncertain significance (2). Last evaluated 2025-03-31.

Conditions:
Deficiency of alpha-mannosidase (MANSA). Also called: Mannosidosis, alpha-, types I and II; LYSOSOMAL ALPHA-D-MANNOSIDASE DEFICIENCY; Alpha-Mannosidosis. Identifiers: Orphanet 61, MedGen C0024748, MONDO:0009561, OMIM 248500.
Inborn genetic diseases. Identifiers: MedGen C0950123, MeSH D030342.

Allele frequency attached by ClinVar (database versions not stated): gnomAD exomes below 0.00001 and 0.00001; gnomAD 0.00002; TOPMed 0.00002.
gnomAD v4.1: 5 of 1,537,158 alleles (0.00033%); highest among the groups gnomAD compares: African/African-American, 0.0069%; no homozygotes.

Submissions (2):

Ambry Genetics
Classification: Uncertain significance for Inborn genetic diseases. Last evaluated: 2025-03-31. Review status: criteria provided, single submitter. Criteria: Ambry Variant Classification Scheme 2023. Collection method: clinical testing. Allele origin: germline.

Labcorp Genetics (formerly Invitae), Labcorp
Classification: Uncertain significance for Deficiency of alpha-mannosidase. Last evaluated: 2024-02-24. Review status: criteria provided, single submitter. Criteria: Invitae Variant Classification Sherloc (09022015). Collection method: clinical testing. Allele origin: germline.
Comment: This sequence change replaces threonine, which is neutral and polar, with alanine, which is neutral and non-polar, at codon 887 of the MAN2B1 protein (p.Thr887Ala). This variant is present in population databases (no rsID available, gnomAD 0.02%). This variant has not been reported in the literature in individuals affected with MAN2B1-related conditions. ClinVar contains an entry for this variant (Variation ID: 1364659). Advanced modeling of protein sequence and biophysical properties (such as structural, functional, and spatial information, amino acid conservation, physicochemical variation, residue mobility, and thermodynamic stability) performed at Invitae indicates that this missense variant is not expected to disrupt MAN2B1 protein function with a negative predictive value of 95%. In summary, the available evidence is currently insufficient to determine the role of this variant in disease. Therefore, it has been classified as a Variant of Uncertain Significance.

NM_000528.4(MAN2B1):c.2659A>G (p.Thr887Ala)

Gene: MAN2B1 (mannosidase alpha class 2B member 1; minus strand). Cytogenetic location: 19p13.13.
Variant type: single nucleotide variant.
Coding change: c.2659A>G on transcript NM_000528.4 (MANE Select); coding-DNA position 2659, A replaced by G.
Protein change: p.Thr887Ala; replaces threonine 887 with alanine.
Molecular consequence: missense variant.
Genome position (GRCh38, 1-based): chr19:12,648,180, T>C on the plus strand (A>G on the coding strand, the complement: MAN2B1 is on the minus strand). VCF-style: chr19-12648180-T-C. GRCh37 (hg19) VCF-style: chr19-12758994-T-C.
Other names: c.2659A>G (NM_000528.3); c.2656A>G, p.Thr886Ala (NM_001173498.2); short protein forms T886A, T887A.
Identifiers: ClinVar variation 1364659 (VCV001364659.8), dbSNP rs1186717379, ClinGen allele CA404239360.
Genomic context (GRCh38, chr19:12,648,180, plus strand): 5'-CGGCTCCCTGGTAGACTTCAATCCGGTCCTCTCTGCCTACCCCGCTGCCCCTCACCTGCG[T>C]GCGCGGAGGAGCCCCGAGATTGTAGGCGGCGCCGCCACCCGGGGCCAGCACCACCTGAGG-3'
Protein context (NP_000519.2, residues 877-897): AAYNLGAPPR[Thr887Ala]QFSGLRRDLP